The following is an entry in ClinVar:

NM_000350.3(ABCA4):c.3711C>A (p.Asn1237Lys)

Genes: ABCA4 (ATP binding cassette subfamily A member 4; minus strand), LOC126805794 (BRD4-independent group 4 enhancer GRCh37_chr1:94502188-94503387; plus strand). Cytogenetic location: 1p22.1.
Variant type: single nucleotide variant.
Coding change: c.3711C>A on transcript NM_000350.3 (MANE Select); coding-DNA position 3711, C replaced by A.
Protein change: p.Asn1237Lys; replaces asparagine 1237 with lysine.
Molecular consequence: missense variant.
Genome position (GRCh38, 1-based): chr1:94,037,247, G>T on the plus strand (C>A on the coding strand, the complement: ABCA4 is on the minus strand). VCF-style: chr1-94037247-G-T. GRCh37 (hg19) VCF-style: chr1-94502803-G-T.
Other names: c.3489C>A, p.Asn1163Lys (NM_001425324.1); short protein forms N1237K, N1163K.
Identifiers: ClinVar variation 2129451 (VCV002129451.4), dbSNP rs1303664995, ClinGen allele CA341289294.

ClinVar aggregate classification (germline): Uncertain significance (1 of 4 stars; one submission).

Submission:

Labcorp Genetics (formerly Invitae), Labcorp
Classification: Uncertain significance. Last evaluated: 2024-10-29. Review status: criteria provided, single submitter. Criteria: Invitae Variant Classification Sherloc (09022015). Collection method: clinical testing. Allele origin: germline.
Comment: This sequence change replaces asparagine, which is neutral and polar, with lysine, which is basic and polar, at codon 1237 of the ABCA4 protein (p.Asn1237Lys). This variant is not present in population databases (gnomAD no frequency). This variant has not been reported in the literature in individuals affected with ABCA4-related conditions. ClinVar contains an entry for this variant (Variation ID: 2129451). Invitae Evidence Modeling of protein sequence and biophysical properties (such as structural, functional, and spatial information, amino acid conservation, physicochemical variation, residue mobility, and thermodynamic stability) indicates that this missense variant is expected to disrupt ABCA4 protein function with a positive predictive value of 80%. In summary, the available evidence is currently insufficient to determine the role of this variant in disease. Therefore, it has been classified as a Variant of Uncertain Significance.